The following is an entry in ClinVar:

NM_004006.3(DMD):c.1638G>A (p.Trp546Ter)

Gene: DMD (dystrophin; minus strand). Cytogenetic location: Xp21.1.
Variant type: single nucleotide variant.
Coding change: c.1638G>A on transcript NM_004006.3 (MANE Select); coding-DNA position 1638, G replaced by A.
Protein change: p.Trp546Ter; replaces tryptophan 546 with a stop codon.
Molecular consequence: nonsense.
Genome position (GRCh38, 1-based): chrX:32,573,811, C>T on the plus strand (G>A on the coding strand, the complement: DMD is on the minus strand). VCF-style: chrX-32573811-C-T. GRCh37 (hg19) VCF-style: chrX-32591928-C-T.
Other names: c.1614G>A, p.Trp538Ter (NM_000109.4); c.1626G>A, p.Trp542Ter (NM_004009.3); c.1269G>A, p.Trp423Ter (NM_004010.3); short protein forms W546*, W542*, W538*, W423*.
Identifiers: ClinVar variation 618597 (VCV000618597.13), dbSNP rs1569230293, ClinGen allele CA412673460.

ClinVar aggregate classification (germline): Pathogenic. Review status: criteria provided, multiple submitters, no conflicts (2 of 4 stars). 2 submissions from 2 submitters: Pathogenic (2). Last evaluated 2022-08-06.

Conditions:
Duchenne muscular dystrophy (DMD). Also called: MUSCULAR DYSTROPHY, PSEUDOHYPERTROPHIC PROGRESSIVE, DUCHENNE TYPE; Duchenne Muscular Dystrophy (DMD). Identifiers: Orphanet 98896, MedGen C0013264, MONDO:0010679, OMIM 310200.

Submissions (2):

Labcorp Genetics (formerly Invitae), Labcorp
Classification: Pathogenic for Duchenne muscular dystrophy. Last evaluated: 2022-08-06. Review status: criteria provided, single submitter. Criteria: Invitae Variant Classification Sherloc (09022015). Collection method: clinical testing. Allele origin: germline.
Comment: ClinVar contains an entry for this variant (Variation ID: 618597). For these reasons, this variant has been classified as Pathogenic. This sequence change creates a premature translational stop signal (p.Trp546*) in the DMD gene. It is expected to result in an absent or disrupted protein product. Loss-of-function variants in DMD are known to be pathogenic (PMID: 16770791, 25007885). This variant is not present in population databases (gnomAD no frequency). This premature translational stop signal has been observed in individual(s) with Duchenne muscular dystrophy (PMID: 23536893).

ARUP Laboratories, Molecular Genetics and Genomics, ARUP Laboratories
Classification: Pathogenic. Last evaluated: 2017-05-14. Review status: criteria provided, single submitter. Criteria: ARUP Molecular Germline Variant Investigation Process. Collection method: clinical testing. Allele origin: germline.
Comment: The c.1638G>A variant creates a termination codon in the DMD protein at codon 546 in exon 14 which is predicted to result in a truncated or absent protein product. The p.Trp546Ter variant has been previously identified in association with Duchenne muscular dystrophy in at least one patient (Juan-Mateu 2013). It is absent from general population databases such as 1000 Genomes, NHLBI GO Exome Sequencing Project (ESP) , and the Exome Aggregation Consortium (ExAC) browser. Based on these observations the p.Trp546Ter variant has been classified as pathogenic.

Literature cited by the submitters: PubMed 16770791 (cited by Labcorp Genetics (formerly Invitae), Labcorp); PubMed 25007885 (cited by Labcorp Genetics (formerly Invitae), Labcorp); PubMed 23536893 (cited by Labcorp Genetics (formerly Invitae), Labcorp).